The following is an entry in ClinVar:

ClinVar aggregate classification (germline): Likely benign (1 of 4 stars; one submission).

Conditions:
Focal dermal hypoplasia (FDH). Also called: Goltz syndrome. Identifiers: Orphanet 2092, MedGen C0016395, MONDO:0010592, OMIM 305600.

Submission:

Centre for Medical Genetics,  Mumbai
Classification: Likely benign for Focal dermal hypoplasia. Last evaluated: 2026-03-06. Review status: criteria provided, single submitter. Criteria: ACMG Guidelines, 2015. Collection method: provider interpretation. Allele origin: germline. Inheritance: X-linked dominant inheritance. Affected: no. Observed: 1 variant allele, 1 heterozygote.
Comment: The variant satisfies PM2 criteria; Extremely low frequency in gnomAD population databases. The variant satisfies PP3 criteria; For a missense or a splicing region variant, computational prediction tools unanimously support a deleterious effect on the gene. However, the variant satisfies BS2 criteria.

Literature cited by the submitters: PubMed 17546030.

NM_203475.3(PORCN):c.1361G>C (p.Trp454Ser)

Gene: PORCN (porcupine O-acyltransferase; plus strand). Cytogenetic location: Xp11.23.
Variant type: single nucleotide variant.
Coding change: c.1361G>C on transcript NM_203475.3 (MANE Select); coding-DNA position 1361, G replaced by C.
Protein change: p.Trp454Ser; replaces tryptophan 454 with serine.
Molecular consequence: missense variant. On other transcripts: non-coding transcript variant (2).
Genome position (GRCh38, 1-based): chrX:48,520,451, G>C. VCF-style: chrX-48520451-G-C. GRCh37 (hg19) VCF-style: chrX-48378839-G-C.
Other names: c.1115G>C, p.Trp372Ser (NM_001282167.2); c.1685G>C, p.Trp562Ser (NM_001441333.1); c.1667G>C, p.Trp556Ser (NM_001441334.1); c.1433G>C, p.Trp478Ser (NM_001441335.1); c.1520G>C, p.Trp507Ser (NM_001441336.1); c.1328G>C, p.Trp443Ser (NM_022825.4); c.1346G>C, p.Trp449Ser (NM_203473.3); c.1343G>C, p.Trp448Ser (NM_203474.1); short protein forms W372S, W443S, W448S, W449S, W454S, W478S, W507S, W556S.
Identifiers: ClinVar variation 4814236 (VCV004814236.1).